The following is an entry in ClinVar:

ClinVar aggregate classification (germline): Uncertain significance. Review status: criteria provided, multiple submitters, no conflicts (2 of 4 stars). 3 submissions from 3 submitters: Uncertain significance (3). Last evaluated 2025-05-13.

Conditions:
Schuurs-Hoeijmakers syndrome. Also called: PACS1-Related Neurodevelopmental Disorder. Identifiers: Orphanet 329224, MedGen C3554343, MONDO:0014006, OMIM 615009.
Inborn genetic diseases. Identifiers: MedGen C0950123, MeSH D030342.

Allele frequency attached by ClinVar (database versions not stated): gnomAD exomes below 0.00001.
gnomAD v4.1: 2 of 1,605,634 alleles (0.00012%); highest among the groups gnomAD compares: Admixed American, 0.0017%; no homozygotes.

Submissions (3):

Ambry Genetics
Classification: Uncertain significance for Inborn genetic diseases. Last evaluated: 2025-05-13. Review status: criteria provided, single submitter. Criteria: Ambry Variant Classification Scheme 2023. Collection method: clinical testing. Allele origin: germline.

Labcorp Genetics (formerly Invitae), Labcorp
Classification: Uncertain significance for Schuurs-Hoeijmakers syndrome. Last evaluated: 2023-02-27. Review status: criteria provided, single submitter. Criteria: Invitae Variant Classification Sherloc (09022015). Collection method: clinical testing. Allele origin: germline.
Comment: In summary, the available evidence is currently insufficient to determine the role of this variant in disease. Therefore, it has been classified as a Variant of Uncertain Significance. Advanced modeling of protein sequence and biophysical properties (such as structural, functional, and spatial information, amino acid conservation, physicochemical variation, residue mobility, and thermodynamic stability) has been performed at Invitae for this missense variant, however the output from this modeling did not meet the statistical confidence thresholds required to predict the impact of this variant on PACS1 protein function. This variant has not been reported in the literature in individuals affected with PACS1-related conditions. This sequence change replaces valine, which is neutral and non-polar, with isoleucine, which is neutral and non-polar, at codon 643 of the PACS1 protein (p.Val643Ile). This variant is not present in population databases (gnomAD no frequency).

GeneDx
Classification: Uncertain significance. Last evaluated: 2022-08-31. Review status: criteria provided, single submitter. Criteria: GeneDx Variant Classification Process June 2021. Collection method: clinical testing. Allele origin: germline. Affected: yes.
Comment: Not observed at significant frequency in large population cohorts (gnomAD); In silico analysis supports that this missense variant does not alter protein structure/function; Has not been previously published as pathogenic or benign to our knowledge

NM_018026.4(PACS1):c.1927G>A (p.Val643Ile)

Gene: PACS1 (phosphofurin acidic cluster sorting protein 1; plus strand). Cytogenetic location: 11q13.2.
Variant type: single nucleotide variant.
Coding change: c.1927G>A on transcript NM_018026.4 (MANE Select); coding-DNA position 1927, G replaced by A.
Protein change: p.Val643Ile; replaces valine 643 with isoleucine.
Molecular consequence: missense variant.
Genome position (GRCh38, 1-based): chr11:66,233,873, G>A. VCF-style: chr11-66233873-G-A. GRCh37 (hg19) VCF-style: chr11-66001344-G-A.
Other names: c.1927G>A (NM_018026.2); short protein forms V643I.
Identifiers: ClinVar variation 2442640 (VCV002442640.5), dbSNP rs1554993495, ClinGen allele CA381372564.
Genomic context (GRCh38, chr11:66,233,873, plus strand): 5'-CCAGTGAAGGTGGCTGCTGTGGGAGGCCAGAGCTACCTGAGCTCCATCCTCAGGTTCTTT[G>A]TCAAGTCCCTGGCCAACAAGACCTCCGACTGGCTTGGCTACATGCGCTTCCTCATCATCC-3'
Protein context (NP_060496.2, residues 633-653): SYLSSILRFF[Val643Ile]KSLANKTSDW